The following is an entry in ClinVar:

ClinVar aggregate classification (germline): Uncertain significance. Review status: criteria provided, multiple submitters, no conflicts (2 of 4 stars). 2 submissions from 2 submitters: Uncertain significance (2). Last evaluated 2026-03-25.

Conditions:
Cohen syndrome (COH1). Also called: PEPPER SYNDROME; Cutis verticis gyrata, retinitis pigmentosa, and sensorineural deafness. Identifiers: Orphanet 193, MedGen C0265223, MONDO:0008999, OMIM 216550.
Inborn genetic diseases. Identifiers: MedGen C0950123, MeSH D030342.

Submissions (2):

Myriad Genetics, Inc.
Classification: Uncertain significance for Cohen syndrome. Last evaluated: 2026-03-25. Review status: criteria provided, single submitter. Criteria: Myriad Autosomal Dominant, Autosomal Recessive and X-Linked Classification Criteria (2023). Collection method: clinical testing. Allele origin: unknown.
Comment: NM_017890.4(VPS13B):c.4166A>G(E1389G) is a missense variant classified as a variant of uncertain significance in the context of Cohen syndrome. E1389G has not been observed in cases with relevant disease. Relevant functional assessments of this variant are not available in the literature. E1389G has not been observed in referenced population frequency databases. In summary, there is insufficient evidence to classify NM_017890.4(VPS13B):c.4166A>G(E1389G) as pathogenic or benign. Please note: this variant was assessed in the context of healthy population screening.

Ambry Genetics
Classification: Uncertain significance for Inborn genetic diseases. Last evaluated: 2023-01-23. Review status: criteria provided, single submitter. Criteria: Ambry Variant Classification Scheme 2023. Collection method: clinical testing. Allele origin: germline.

NM_017890.5(VPS13B):c.4166A>G (p.Glu1389Gly)

Gene: VPS13B (vacuolar protein sorting 13 homolog B; plus strand). Cytogenetic location: 8q22.2.
Variant type: single nucleotide variant.
Coding change: c.4166A>G on transcript NM_017890.5 (MANE Plus Clinical); coding-DNA position 4166, A replaced by G.
Protein change: p.Glu1389Gly; replaces glutamic acid 1389 with glycine.
Molecular consequence: missense variant. On other transcripts: intron variant (1).
Genome position (GRCh38, 1-based): chr8:99,507,778, A>G. VCF-style: chr8-99507778-A-G. GRCh37 (hg19) VCF-style: chr8-100520006-A-G.
Other names: c.4224+575A>G (NM_152564.5); short protein forms E1389G.
Identifiers: ClinVar variation 2478313 (VCV002478313.3), dbSNP rs2490496698, ClinGen allele CA371870489.
Genomic context (GRCh38, chr8:99,507,778, plus strand): 5'-TTTTATTGCTTTTTGTCTTTTCACCTTCTTTGCTCCTGTCCATCACTTCAAGCCTTGGGG[A>G]AGAGTGTTGGTCTTTGGGGCAATGTGGAGGTGTCTTCCTTTCCTGTACTGACAAGCTGAA-3'
Protein context (NP_060360.3, residues 1379-1399): NIDHYRSSLG[Glu1389Gly]ECWSLGQCGG